The following is an entry in ClinVar:

NM_017760.7(NCAPG2):c.250G>A (p.Glu84Lys)

Gene: NCAPG2 (non-SMC condensin II complex subunit G2; minus strand). Cytogenetic location: 7q36.3.
Variant type: single nucleotide variant.
Coding change: c.250G>A on transcript NM_017760.7 (MANE Select); coding-DNA position 250, G replaced by A.
Protein change: p.Glu84Lys; replaces glutamic acid 84 with lysine.
Molecular consequence: missense variant. On other transcripts: non-coding transcript variant (1).
Genome position (GRCh38, 1-based): chr7:158,693,326, C>T on the plus strand (G>A on the coding strand, the complement: NCAPG2 is on the minus strand). VCF-style: chr7-158693326-C-T. GRCh37 (hg19) VCF-style: chr7-158486018-C-T.
Other names: c.250G>A (NM_001281933.1); c.250G>A, p.Glu84Lys (NM_001281932.2, NM_001281933.2); short protein forms E84K.
Identifiers: ClinVar variation 2579039 (VCV002579039.27), dbSNP rs61763006, ClinGen allele CA4593189.
Genomic context (GRCh38, chr7:158,693,326, plus strand): 5'-AAAAAGAGAAAAACGTTTCTTATTTTTGAAAAACAAATACTACCATTTTTGAGCCATGTT[C>T]GGTTTCCATATTGTCTTCACCCTGGGCTTCCACTACCTGCCACCCATCCACTGGGCTTTC-3'
Protein context (NP_060230.5, residues 74-94): EAQGEDNMET[Glu84Lys]HGSKMRKSIE

ClinVar aggregate classification (germline): Likely benign. Review status: criteria provided, multiple submitters, no conflicts (2 of 4 stars). 3 submissions from 3 submitters: Likely benign (2). 1 of the submissions does not count toward it. Last evaluated 2026-06-01.

Conditions:
NCAPG2-related disorder. Also called: NCAPG2-related condition.

Allele frequency attached by ClinVar (database versions not stated): 1000 Genomes Project 30x 0.00234; 1000 Genomes Project 0.00240; ExAC 0.00466; TOPMed 0.00485; gnomAD 0.00498; ESP Exome Variant Server 0.00670; gnomAD exomes 0.00763.
gnomAD v4.1: 11,778 of 1,607,942 alleles (0.73%); highest among the groups gnomAD compares: Non-Finnish European, 0.92%; 59 homozygotes.

Submissions (3):

CeGaT Center for Human Genetics Tuebingen
Classification: Likely benign. Last evaluated: 2026-06-01. Review status: criteria provided, single submitter. Criteria: CeGaT Center For Human Genetics Tuebingen Variant Classification Criteria Version 2. Collection method: clinical testing. Allele origin: germline. Affected: yes. Observed: 25 variant alleles.
Comment: NCAPG2: PP2, BP4, BS2

Blueprint Genetics
Classification: Likely benign. Last evaluated: 2024-11-26. Review status: criteria provided, single submitter. Criteria: ACMG Guidelines, 2015. Collection method: clinical testing. Allele origin: germline.

PreventionGenetics, part of Exact Sciences
Classification: Benign for NCAPG2-related condition. Last evaluated: 2020-04-14. Review status: no assertion criteria provided. Collection method: clinical testing. Allele origin: germline. Not counted in ClinVar's aggregate classification.
Comment: This variant is classified as benign based on ACMG/AMP sequence variant interpretation guidelines (Richards et al. 2015 PMID: 25741868, with internal and published modifications).